The following is an entry in ClinVar:

ClinVar aggregate classification (germline): Uncertain significance. Review status: criteria provided, multiple submitters, no conflicts (2 of 4 stars). 2 submissions from 2 submitters: Uncertain significance (2). Last evaluated 2022-12-23.

Conditions:
Charcot-Marie-Tooth disease dominant intermediate C (CMTDIC). Also called: CHARCOT-MARIE-TOOTH NEUROPATHY, DOMINANT INTERMEDIATE C. Identifiers: Orphanet 100045, MedGen C1842237, MONDO:0012012, OMIM 608323.

Allele frequency attached by ClinVar (database versions not stated): TOPMed 0.00001.
gnomAD v4.1: 39 of 1,613,508 alleles (0.0024%); highest among the groups gnomAD compares: South Asian, 0.0088%; 1 homozygote.

Submissions (2):

Labcorp Genetics (formerly Invitae), Labcorp
Classification: Uncertain significance for Charcot-Marie-Tooth disease dominant intermediate C. Last evaluated: 2022-12-23. Review status: criteria provided, single submitter. Criteria: Invitae Variant Classification Sherloc (09022015). Collection method: clinical testing. Allele origin: germline.
Comment: In summary, the available evidence is currently insufficient to determine the role of this variant in disease. Therefore, it has been classified as a Variant of Uncertain Significance. Advanced modeling of protein sequence and biophysical properties (such as structural, functional, and spatial information, amino acid conservation, physicochemical variation, residue mobility, and thermodynamic stability) performed at Invitae indicates that this missense variant is not expected to disrupt YARS protein function. ClinVar contains an entry for this variant (Variation ID: 805753). This variant has not been reported in the literature in individuals affected with YARS-related conditions. This variant is present in population databases (rs148823175, gnomAD 0.01%), including at least one homozygous and/or hemizygous individual. This sequence change replaces lysine, which is basic and polar, with arginine, which is basic and polar, at codon 116 of the YARS protein (p.Lys116Arg).

Athena Diagnostics
Classification: Uncertain significance. Last evaluated: 2018-10-26. Review status: criteria provided, single submitter. Criteria: Athena Diagnostics Criteria. Collection method: clinical testing. Allele origin: germline.

NM_003680.4(YARS1):c.347A>G (p.Lys116Arg)

Gene: YARS1 (tyrosyl-tRNA synthetase 1; minus strand). Cytogenetic location: 1p35.1.
Variant type: single nucleotide variant.
Coding change: c.347A>G on transcript NM_003680.4 (MANE Select); coding-DNA position 347, A replaced by G.
Protein change: p.Lys116Arg; replaces lysine 116 with arginine.
Molecular consequence: missense variant.
Genome position (GRCh38, 1-based): chr1:32,810,624, T>C on the plus strand (A>G on the coding strand, the complement: YARS1 is on the minus strand). VCF-style: chr1-32810624-T-C. GRCh37 (hg19) VCF-style: chr1-33276225-T-C.
Other names: short protein forms K116R.
Identifiers: ClinVar variation 805753 (VCV000805753.4), dbSNP rs148823175, ClinGen allele CA745228.
Genomic context (GRCh38, chr1:32,810,624, plus strand): 5'-AAGGAGGGTGGATGATCAAGCACTTACTTGCTGAGCTGGTAATCAGTGCCTTTGATGAAC[T>C]TGAGCTTCTCCAAGGGCACACCAATGCTCTCCAGCATTGCTTTGATCACATTCTCATAGT-3'
Protein context (NP_003671.1, residues 106-126): ESIGVPLEKL[Lys116Arg]FIKGTDYQLS